The following is an entry in ClinVar:

NM_001110556.2(FLNA):c.6310G>T (p.Val2104Phe)

Gene: FLNA (filamin A; minus strand). Cytogenetic location: Xq28.
Variant type: single nucleotide variant.
Coding change: c.6310G>T on transcript NM_001110556.2 (MANE Select); coding-DNA position 6310, G replaced by T.
Protein change: p.Val2104Phe; replaces valine 2104 with phenylalanine.
Molecular consequence: missense variant.
Genome position (GRCh38, 1-based): chrX:154,352,841, C>A on the plus strand (G>T on the coding strand, the complement: FLNA is on the minus strand). VCF-style: chrX-154352841-C-A. GRCh37 (hg19) VCF-style: chrX-153581209-C-A.
Other names: c.6286G>T, p.Val2096Phe (NM_001456.4); short protein forms V2096F, V2104F.
Identifiers: ClinVar variation 4282407 (VCV004282407.1).
Genomic context (GRCh38, chrX:154,352,841, plus strand): 5'-GCTGGTCGGCAAACTTGATGTTGATGATGTAGTTGCCTGGCTCTGTGGGGCAGTAGGTGA[C>A]CCTGCACGTCCCGTCCTCCAGGTCCTCTGTGTTGATGTCCACCTTGCTGGGGCCCTCAAT-3'
Protein context (NP_001104026.1, residues 2094-2114): TEDLEDGTCR[Val2104Phe]TYCPTEPGNY

ClinVar aggregate classification (germline): Uncertain significance (1 of 4 stars; one submission).

Submission:

GeneDx
Classification: Uncertain significance. Last evaluated: 2025-04-16. Review status: criteria provided, single submitter. Criteria: GeneDx Variant Classification Process June 2021. Collection method: clinical testing. Allele origin: germline. Affected: yes.
Comment: In silico analysis supports that this missense variant has a deleterious effect on protein structure/function; Has not been previously published as pathogenic or benign to our knowledge